The following is an entry in ClinVar:

ClinVar aggregate classification (germline): Uncertain significance (1 of 4 stars; one submission).

Submission:

Labcorp Genetics (formerly Invitae), Labcorp
Classification: Uncertain significance. Last evaluated: 2025-02-24. Review status: criteria provided, single submitter. Criteria: Invitae Variant Classification Sherloc (09022015). Collection method: clinical testing. Allele origin: germline.
Comment: This sequence change replaces cysteine, which is neutral and slightly polar, with phenylalanine, which is neutral and non-polar, at codon 1223 of the CEP152 protein (p.Cys1223Phe). This variant is not present in population databases (gnomAD no frequency). This variant has not been reported in the literature in individuals affected with CEP152-related conditions. ClinVar contains an entry for this variant (Variation ID: 1498716). An algorithm developed to predict the effect of missense changes on protein structure and function (PolyPhen-2) suggests that this variant is likely to be tolerated. Algorithms developed to predict the effect of sequence changes on RNA splicing suggest that this variant may disrupt the consensus splice site. In summary, the available evidence is currently insufficient to determine the role of this variant in disease. Therefore, it has been classified as a Variant of Uncertain Significance.

NM_001194998.2(CEP152):c.3836G>T (p.Cys1279Phe)

Gene: CEP152 (centrosomal protein 152; minus strand). Cytogenetic location: 15q21.1.
Variant type: single nucleotide variant.
Coding change: c.3836G>T on transcript NM_001194998.2 (MANE Select); coding-DNA position 3836, G replaced by T.
Protein change: p.Cys1279Phe; replaces cysteine 1279 with phenylalanine.
Molecular consequence: missense variant.
Genome position (GRCh38, 1-based): chr15:48,742,100, C>A on the plus strand (G>T on the coding strand, the complement: CEP152 is on the minus strand). VCF-style: chr15-48742100-C-A. GRCh37 (hg19) VCF-style: chr15-49034297-C-A.
Other names: c.3668G>T, p.Cys1223Phe (NM_014985.4); short protein forms C1223F, C1279F.
Identifiers: ClinVar variation 1498716 (VCV001498716.6), dbSNP rs745869178, ClinGen allele CA392337833.
Genomic context (GRCh38, chr15:48,742,100, plus strand): 5'-TCTGCTTTTACCATTTCTGCAGCTCGTTCCTTACTCTCCTGAATATAACGAAGCATGTCA[C>A]CTATAGGGAAGTGAGAAAATGCCCACAGAATGTATGTTTATTAGCACTTTTTCAGAAACA-3'
Protein context (NP_001181927.1, residues 1269-1289): QYIKAVKKIK[Cys1279Phe]DMLRYIQESK